The following is an entry in ClinVar:

ClinVar aggregate classification (germline): Uncertain significance (1 of 4 stars; one submission).

gnomAD v4.1: 1 of 1,614,146 alleles (0.000062%); highest among the groups gnomAD compares: Admixed American, 0.0017%; no homozygotes.

Submission:

Labcorp Genetics (formerly Invitae), Labcorp
Classification: Uncertain significance. Last evaluated: 2025-08-11. Review status: criteria provided, single submitter. Criteria: Invitae Variant Classification Sherloc (09022015). Collection method: clinical testing. Allele origin: germline.
Comment: This sequence change replaces threonine, which is neutral and polar, with arginine, which is basic and polar, at codon 77 of the MTMR14 protein (p.Thr77Arg). This variant is present in population databases (no rsID available, gnomAD 0.003%). This variant has not been reported in the literature in individuals affected with MTMR14-related conditions. Invitae Evidence Modeling of protein sequence and biophysical properties (such as structural, functional, and spatial information, amino acid conservation, physicochemical variation, residue mobility, and thermodynamic stability) indicates that this missense variant is not expected to disrupt MTMR14 protein function with a negative predictive value of 80%. In summary, the available evidence is currently insufficient to determine the role of this variant in disease. Therefore, it has been classified as a Variant of Uncertain Significance.

NM_001077525.3(MTMR14):c.230C>G (p.Thr77Arg)

Gene: MTMR14 (myotubularin related protein 14; plus strand). Cytogenetic location: 3p25.3.
Variant type: single nucleotide variant.
Coding change: c.230C>G on transcript NM_001077525.3 (MANE Select); coding-DNA position 230, C replaced by G.
Protein change: p.Thr77Arg; replaces threonine 77 with arginine.
Molecular consequence: missense variant. On other transcripts: 5 prime UTR variant (14), non-coding transcript variant (8), intron variant (6).
Genome position (GRCh38, 1-based): chr3:9,653,691, C>G. VCF-style: chr3-9653691-C-G. GRCh37 (hg19) VCF-style: chr3-9695375-C-G.
Other names: c.230C>G, p.Thr77Arg (NM_001400520.1, NM_001400522.1, NM_001400523.1 and 9 more transcripts); c.299C>G, p.Thr100Arg (NM_001400521.1, NM_001400526.1, NM_001400518.1); c.-410C>G (NM_001400548.1); c.-337C>G (NM_001400549.1, NM_001400534.1, NM_001400538.1 and 3 more transcripts); c.-240C>G (NM_001400550.1); c.26+3949C>G (NM_001400525.1, NM_001400529.1, NM_001400532.1 and 1 more transcripts); c.-276C>G (NM_001400533.1, NM_001400539.1, NM_001400545.1); c.-304C>G (NM_001400540.1); and 4 more; short protein forms T100R, T77R.
Identifiers: ClinVar variation 4760366 (VCV004760366.1).